The following is an entry in ClinVar:

NM_001754.5(RUNX1):c.1370G>T (p.Gly457Val)

Gene: RUNX1 (RUNX family transcription factor 1; minus strand). Cytogenetic location: 21q22.12.
Variant type: single nucleotide variant.
Coding change: c.1370G>T on transcript NM_001754.5 (MANE Select); coding-DNA position 1370, G replaced by T.
Protein change: p.Gly457Val; replaces glycine 457 with valine.
Molecular consequence: missense variant.
Genome position (GRCh38, 1-based): chr21:34,792,208, C>A on the plus strand (G>T on the coding strand, the complement: RUNX1 is on the minus strand). VCF-style: chr21-34792208-C-A. GRCh37 (hg19) VCF-style: chr21-36164505-C-A.
Other names: NM_001754.5(RUNX1):c.1370G>T; p.Gly457Val; c.1289G>T, p.Gly430Val (NM_001001890.3); short protein forms G457V, G430V.
Identifiers: ClinVar variation 855262 (VCV000855262.11), dbSNP rs572641102, ClinGen allele CA410147084.
Genomic context (GRCh38, chr21:34,792,208, plus strand): 5'-CACACGGCCTCCTCCAGGCGCGCGGAGGGCGCCATGTTGGTGGGGGAGTTGCTGTGGCTG[C>A]CCTCGGCCTCCACCACGTCGCTCTGGTTCGGGAGGCTGGGGTTGAGCAGCGCGGAGCCGG-3'
Protein context (NP_001745.2, residues 447-467): PNQSDVVEAE[Gly457Val]SHSNSPTNMA

ClinVar aggregate classification (germline): Uncertain significance. Review status: reviewed by expert panel (3 of 4 stars). 2 submissions from 2 submitters: Uncertain significance (1). 1 of the submissions does not count toward it. Last evaluated 2025-01-15.

Conditions:
Hereditary thrombocytopenia and hematologic cancer predisposition syndrome. Identifiers: Orphanet 71290, MedGen CN281654, MONDO:0011071.
Hereditary thrombocytopenia and hematological cancer predisposition syndrome associated with RUNX1. Also called: RUNX1 Familial Platelet Disorder with Associated Myeloid Malignancies; PLATELET DISORDER, ASPIRIN-LIKE; Familial Platelet Disorder with Propensity to Acute Myelogenous Leukemia; Familial thrombocytopenia with propensity to acute myelogenous leukemia. Identifiers: Orphanet 71290, MedGen C1832388, MeSH C563324, MONDO:0100083, OMIM 601399.

Submissions (2):

ClinGen Myeloid Malignancy Variant Curation Expert Panel
Classification: Uncertain significance for Hereditary thrombocytopenia and hematologic cancer predisposition syndrome. Last evaluated: 2025-01-15. Review status: reviewed by expert panel. Criteria: ClinGen MyeloMalig ACMG Specifications v2. Collection method: curation. Allele origin: germline. Inheritance: Autosomal dominant inheritance.
Comment: NM_001754.5(RUNX1):c.1370G>T (p.Gly457Val) is a missense variant which has a REVEL score < 0.50 (0.412), and a SpliceAI score ≤ 0.20 (0.04) (BP4). This variant is completely absent from all population databases with at least 20x coverage for RUNX1 (PM2_Supporting). In summary, the clinical significance of this variant is uncertain. ACMG/AMP criteria applied, as specified by the Myeloid Malignancy Variant Curation Expert Panel for RUNX1: PM2_supporting, BP4.

Labcorp Genetics (formerly Invitae), Labcorp
Classification: Uncertain significance for Hereditary thrombocytopenia and hematological cancer predisposition syndrome associated with RUNX1. Last evaluated: 2025-06-30. Review status: criteria provided, single submitter. Criteria: Invitae Variant Classification Sherloc (09022015). Collection method: clinical testing. Allele origin: germline. Not counted in ClinVar's aggregate classification.
Comment: This sequence change replaces glycine, which is neutral and non-polar, with valine, which is neutral and non-polar, at codon 457 of the RUNX1 protein (p.Gly457Val). This variant is not present in population databases (gnomAD no frequency). This variant has not been reported in the literature in individuals affected with RUNX1-related conditions. ClinVar contains an entry for this variant (Variation ID: 855262). Invitae Evidence Modeling of protein sequence and biophysical properties (such as structural, functional, and spatial information, amino acid conservation, physicochemical variation, residue mobility, and thermodynamic stability) has been performed for this missense variant. However, the output from this modeling did not meet the statistical confidence thresholds required to predict the impact of this variant on RUNX1 protein function. Algorithms developed to predict the effect of sequence changes on RNA splicing suggest that this variant may create or strengthen a splice site. In summary, the available evidence is currently insufficient to determine the role of this variant in disease. Therefore, it has been classified as a Variant of Uncertain Significance.